The following is an entry in ClinVar:

ClinVar aggregate classification (germline): Likely benign (0 of 4 stars; one submission).

Conditions:
ATP2B3-related disorder. Also called: ATP2B3-related condition.

Allele frequency attached by ClinVar (database versions not stated): ExAC 0.00005; TOPMed 0.00018; gnomAD 0.00019; 1000 Genomes Project 30x 0.00021; 1000 Genomes Project 0.00026.
gnomAD v4.1: 80 of 1,208,688 alleles (0.0066%); highest among the groups gnomAD compares: African/African-American, 0.065%; no homozygotes.

Submission:

PreventionGenetics, part of Exact Sciences
Classification: Likely benign for ATP2B3-related condition. Last evaluated: 2019-05-02. Review status: no assertion criteria provided. Collection method: clinical testing. Allele origin: germline.
Comment: This variant is classified as likely benign based on ACMG/AMP sequence variant interpretation guidelines (Richards et al. 2015 PMID: 25741868, with internal and published modifications).

NM_001001344.3(ATP2B3):c.1146C>T (p.Thr382=)

Gene: ATP2B3 (ATPase plasma membrane Ca2+ transporting 3; plus strand). Cytogenetic location: Xq28.
Variant type: single nucleotide variant.
Coding change: c.1146C>T on transcript NM_001001344.3 (MANE Select); coding-DNA position 1146, C replaced by T.
Protein change: p.Thr382=; no amino-acid change (threonine 382 retained).
Molecular consequence: synonymous variant.
Genome position (GRCh38, 1-based): chrX:153,548,662, C>T. VCF-style: chrX-153548662-C-T. GRCh37 (hg19) VCF-style: chrX-152814120-C-T.
Other names: c.1146C>T, p.Thr382= (NM_001388360.1, NM_001388361.1, NM_001388362.1 and 1 more transcripts); c.1104C>T, p.Thr368= (NM_001410708.1).
Identifiers: ClinVar variation 3056103 (VCV003056103.2), dbSNP rs186942321, ClinGen allele CA10547681.